The following is an entry in ClinVar:

NM_017934.7(PHIP):c.1912C>G (p.Gln638Glu)

Gene: PHIP (PHIP subunit of CUL4-Ring ligase complex; minus strand). Cytogenetic location: 6q14.1.
Variant type: single nucleotide variant.
Coding change: c.1912C>G on transcript NM_017934.7 (MANE Select); coding-DNA position 1912, C replaced by G.
Protein change: p.Gln638Glu; replaces glutamine 638 with glutamic acid.
Molecular consequence: missense variant.
Genome position (GRCh38, 1-based): chr6:78,998,359, G>C on the plus strand (C>G on the coding strand, the complement: PHIP is on the minus strand). VCF-style: chr6-78998359-G-C. GRCh37 (hg19) VCF-style: chr6-79708076-G-C.
Other names: short protein forms Q638E.
Identifiers: ClinVar variation 2272631 (VCV002272631.4), dbSNP rs2482046749, ClinGen allele CA364630904.

ClinVar aggregate classification (germline): Uncertain significance. Review status: criteria provided, multiple submitters, no conflicts (2 of 4 stars). 2 submissions from 2 submitters: Uncertain significance (2). Last evaluated 2023-07-26.

Conditions:
Inborn genetic diseases. Identifiers: MedGen C0950123, MeSH D030342.

Submissions (2):

GeneDx
Classification: Uncertain significance. Last evaluated: 2023-07-26. Review status: criteria provided, single submitter. Criteria: GeneDx Variant Classification Process June 2021. Collection method: clinical testing. Allele origin: germline.
Comment: Not observed at significant frequency in large population cohorts (gnomAD); In silico analysis supports that this missense variant does not alter protein structure/function; Has not been previously published as pathogenic or benign to our knowledge

Ambry Genetics
Classification: Uncertain significance for Inborn genetic diseases. Last evaluated: 2022-01-26. Review status: criteria provided, single submitter. Criteria: Ambry Variant Classification Scheme 2023. Collection method: clinical testing. Allele origin: germline.